The following is an entry in ClinVar:

NM_005591.4(MRE11):c.1843T>C (p.Ser615Pro)

Gene: MRE11 (MRE11 double strand break repair nuclease; minus strand). Cytogenetic location: 11q21.
Variant type: single nucleotide variant.
Coding change: c.1843T>C on transcript NM_005591.4 (MANE Select); coding-DNA position 1843, T replaced by C.
Protein change: p.Ser615Pro; replaces serine 615 with proline.
Molecular consequence: missense variant. On other transcripts: intron variant (1).
Genome position (GRCh38, 1-based): chr11:94,445,834, A>G on the plus strand (T>C on the coding strand, the complement: MRE11 is on the minus strand). VCF-style: chr11-94445834-A-G. GRCh37 (hg19) VCF-style: chr11-94179000-A-G.
Other names: p.S615P:TCT>CCT; c.1840T>C, p.Ser614Pro (NM_001330347.2); c.1783+1385T>C (NM_005590.4); short protein forms S615P, S614P.
Identifiers: ClinVar variation 127978 (VCV000127978.11), dbSNP rs587780137, ClinGen allele CA288170.
Genomic context (GRCh38, chr11:94,445,834, plus strand): 5'-GGAATTTATAAATAATCACTTGCAGTCTATACTCACCATCTATAATAGACATATTTCTAG[A>G]TGCTGACACAGCAGTCTTTGAGTTCCTGCTACGGGTAGAAGTCTCCAGACCAGTGTCTGC-3'
Protein context (NP_005582.1, residues 605-625): SRNSKTAVSA[Ser615Pro]RNMSIIDAFK

ClinVar aggregate classification (germline): Uncertain significance. Review status: criteria provided, multiple submitters, no conflicts (2 of 4 stars). 3 submissions from 3 submitters: Uncertain significance (3). Last evaluated 2023-12-08.

Conditions:
Ataxia-telangiectasia-like disorder (ATLD). Identifiers: MedGen C1858391, MONDO:0011457.
Hereditary cancer-predisposing syndrome. Also called: Hereditary neoplastic syndrome; Neoplastic Syndromes, Hereditary; Hereditary Cancer Syndrome; Tumor predisposition. Identifiers: Orphanet 140162, MedGen C0027672, MeSH D009386, MONDO:0015356.

Allele frequency attached by ClinVar (database versions not stated): gnomAD exomes below 0.00001.
gnomAD v4.1: 1 of 1,613,430 alleles (0.000062%); highest among the groups gnomAD compares: Non-Finnish European, 0.000085%; no homozygotes.

Submissions (3):

Ambry Genetics
Classification: Uncertain significance for Hereditary cancer-predisposing syndrome. Last evaluated: 2023-12-08. Review status: criteria provided, single submitter. Criteria: Ambry Variant Classification Scheme 2023. Collection method: clinical testing. Allele origin: germline.
Comment: The p.S615P variant (also known as c.1843T>C), located in coding exon 15 of the MRE11A gene, results from a T to C substitution at nucleotide position 1843. The serine at codon 615 is replaced by proline, an amino acid with similar properties. This amino acid position is well conserved in available vertebrate species. In addition, this alteration is predicted to be tolerated by in silico analysis. Since supporting evidence is limited at this time, the clinical significance of this alteration remains unclear.

Labcorp Genetics (formerly Invitae), Labcorp
Classification: Uncertain significance for Ataxia-telangiectasia-like disorder. Last evaluated: 2021-08-31. Review status: criteria provided, single submitter. Criteria: Invitae Variant Classification Sherloc (09022015). Collection method: clinical testing. Allele origin: germline.
Comment: This sequence change replaces serine with proline at codon 615 of the MRE11 protein (p.Ser615Pro). The serine residue is weakly conserved and there is a moderate physicochemical difference between serine and proline. This variant is not present in population databases (ExAC no frequency). This variant has not been reported in the literature in individuals affected with MRE11-related conditions. ClinVar contains an entry for this variant (Variation ID: 127978). Algorithms developed to predict the effect of missense changes on protein structure and function output the following: SIFT: "Tolerated"; PolyPhen-2: "Benign"; Align-GVGD: "Class C0". The proline amino acid residue is found in multiple mammalian species, which suggests that this missense change does not adversely affect protein function. In summary, the available evidence is currently insufficient to determine the role of this variant in disease. Therefore, it has been classified as a Variant of Uncertain Significance.

GeneDx
Classification: Uncertain significance. Last evaluated: 2014-01-20. Review status: criteria provided, single submitter. Criteria: GeneDx Variant Classification (06012015). Collection method: clinical testing. Allele origin: germline. Affected: yes.
Comment: MRE11A has been only recently described in association with cancer predisposition and the risks are not well understood. This variant is denoted MRE11A c.1843T>C at the cDNA level, p.Ser615Pro (S615P) at the protein level, and results in the change of a Serine to a Proline (TCT>CCT). This variant has not, to our knowledge, been published in the literature as pathogenic or benign. MRE11A Ser615Pro was not observed in approximately 6,500 individuals of European and African American ancestry in the NHLBI Exome Sequencing Project, indicating it is not a common benign variant in these populations. This variant is a non-conservative substitution in which a neutral polar amino acid is replaced with a neutral non-polar one, altering a position that is moderately conserved throughout evolution and is not located in a known functional domain. In silico analyses predict this variant to have a benign effect on protein structure and function. On a molecular level, the impact of this missense variant on protein structure and function is not known and thus we consider this to be a variant of uncertain significance. Furthermore, based on the currently available information, cancer risks associated with this variant, and the MRE11A gene, remain unclear.